The following is an entry in ClinVar:

NM_005560.6(LAMA5):c.1095C>T (p.Ala365=)

Gene: LAMA5 (laminin subunit alpha 5; minus strand). Cytogenetic location: 20q13.33.
Variant type: single nucleotide variant.
Coding change: c.1095C>T on transcript NM_005560.6 (MANE Select); coding-DNA position 1095, C replaced by T.
Protein change: p.Ala365=; no amino-acid change (alanine 365 retained).
Molecular consequence: synonymous variant.
Genome position (GRCh38, 1-based): chr20:62,346,778, G>A on the plus strand (C>T on the coding strand, the complement: LAMA5 is on the minus strand). VCF-style: chr20-62346778-G-A. GRCh37 (hg19) VCF-style: chr20-60921834-G-A.
Identifiers: ClinVar variation 3047196 (VCV003047196.4), dbSNP rs760449227, ClinGen allele CA9944096.

ClinVar aggregate classification (germline): Likely benign. Review status: criteria provided, multiple submitters, no conflicts (2 of 4 stars). 3 submissions from 3 submitters: Likely benign (2). 1 of the submissions does not count toward it. Last evaluated 2025-08-30.

Conditions:
LAMA5-related disorder. Also called: LAMA5-Related Disorders; LAMA5-related condition.

Allele frequency attached by ClinVar (database versions not stated): gnomAD 0.00009; gnomAD exomes 0.00010; ExAC 0.00011; TOPMed 0.00006.
gnomAD v4.1: 151 of 1,612,340 alleles (0.0094%); highest among the groups gnomAD compares: Middle Eastern, 0.082%; no homozygotes.

Submissions (3):

Labcorp Genetics (formerly Invitae), Labcorp
Classification: Likely benign. Last evaluated: 2025-08-30. Review status: criteria provided, single submitter. Criteria: Invitae Variant Classification Sherloc (09022015). Collection method: clinical testing. Allele origin: germline.

Breakthrough Genomics
Classification: Likely benign. Review status: criteria provided, single submitter. Criteria: ACMG Guidelines, 2015. Collection method: not provided. Allele origin: germline. Inheritance: Autosomal recessive inheritance. Affected: yes.

PreventionGenetics, part of Exact Sciences
Classification: Likely benign for LAMA5-related condition. Last evaluated: 2020-03-30. Review status: no assertion criteria provided. Collection method: clinical testing. Allele origin: germline. Not counted in ClinVar's aggregate classification.
Comment: This variant is classified as likely benign based on ACMG/AMP sequence variant interpretation guidelines (Richards et al. 2015 PMID: 25741868, with internal and published modifications).